The following is an entry in ClinVar:

NM_006005.3(WFS1):c.712T>C (p.Ser238Pro)

Gene: WFS1 (wolframin ER transmembrane glycoprotein; plus strand). Cytogenetic location: 4p16.1.
Variant type: single nucleotide variant.
Coding change: c.712T>C on transcript NM_006005.3 (MANE Select); coding-DNA position 712, T replaced by C.
Protein change: p.Ser238Pro; replaces serine 238 with proline.
Molecular consequence: missense variant.
Genome position (GRCh38, 1-based): chr4:6,291,997, T>C. VCF-style: chr4-6291997-T-C. GRCh37 (hg19) VCF-style: chr4-6293724-T-C.
Other names: c.712T>C, p.Ser238Pro (NM_001145853.1); short protein forms S238P.
Identifiers: ClinVar variation 1189682 (VCV001189682.10), dbSNP rs1221281593, ClinGen allele CA356172362.
Genomic context (GRCh38, chr4:6,291,997, plus strand): 5'-CCCGTGCCCAAGTCCCTGCAGAAGCAGAGGCGCATGCTGGAGCGCCTGGTCAGCAGCGAG[T>C]GTGAGTGCAGCCCCTGCCCCGTCTCACCCATGCCTCCCAGCCTGCACCTGCAGGGCGACC-3'
Protein context (NP_005996.2, residues 228-248): RMLERLVSSE[Ser238Pro]KNYIALDDFV

ClinVar aggregate classification (germline): Uncertain significance. Review status: criteria provided, multiple submitters, no conflicts (2 of 4 stars). 2 submissions from 2 submitters: Uncertain significance (2). Last evaluated 2022-06-20.

Allele frequency attached by ClinVar (database versions not stated): gnomAD exomes 0.00001; gnomAD 0.00002; TOPMed 0.00002.
gnomAD v4.1: 18 of 1,605,826 alleles (0.0011%); highest among the groups gnomAD compares: Non-Finnish European, 0.0015%; no homozygotes.

Submissions (2):

Labcorp Genetics (formerly Invitae), Labcorp
Classification: Uncertain significance. Last evaluated: 2022-06-20. Review status: criteria provided, single submitter. Criteria: Invitae Variant Classification Sherloc (09022015). Collection method: clinical testing. Allele origin: germline.
Comment: In summary, the available evidence is currently insufficient to determine the role of this variant in disease. Therefore, it has been classified as a Variant of Uncertain Significance. Algorithms developed to predict the effect of missense changes on protein structure and function are either unavailable or do not agree on the potential impact of this missense change (SIFT: "Tolerated"; PolyPhen-2: "Possibly Damaging"; Align-GVGD: "Class C0"). ClinVar contains an entry for this variant (Variation ID: 1189682). This variant has not been reported in the literature in individuals affected with WFS1-related conditions. This variant is present in population databases (no rsID available, gnomAD 0.002%). This sequence change replaces serine, which is neutral and polar, with proline, which is neutral and non-polar, at codon 238 of the WFS1 protein (p.Ser238Pro).

GeneDx
Classification: Uncertain significance. Last evaluated: 2019-09-18. Review status: criteria provided, single submitter. Criteria: GeneDx Variant Classification Process June 2021. Collection method: clinical testing. Allele origin: germline. Affected: yes.
Comment: Not observed at a significant frequency in large population cohorts (Lek et al., 2016); In silico analysis, which includes protein predictors and evolutionary conservation, supports that this variant does not alter protein structure/function; Has not been previously published as pathogenic or benign to our knowledge